The following is an entry in ClinVar:

NM_001032283.3(TMPO):c.565+2216A>C

Gene: TMPO (thymopoietin; plus strand). Cytogenetic location: 12q23.1.
Variant type: single nucleotide variant.
Coding change: c.565+2216A>C on transcript NM_001032283.3 (MANE Select); 2216 bases into the intron after coding-DNA position 565, A replaced by C.
Molecular consequence: intron variant. On other transcripts: missense variant (1).
Genome position (GRCh38, 1-based): chr12:98,534,054, A>C. VCF-style: chr12-98534054-A-C. GRCh37 (hg19) VCF-style: chr12-98927832-A-C.
Other names: c.1797A>C, p.Gln599His (NM_003276.2); c.565+2216A>C (NM_001307975.2, NM_001032284.3); short protein forms Q599H.
Identifiers: ClinVar variation 3223170 (VCV003223170.1), dbSNP rs1565812118, ClinGen allele CA386153957.

ClinVar aggregate classification (germline): Uncertain significance (1 of 4 stars; one submission).

Submission:

Ambry Genetics
Classification: Uncertain significance. Last evaluated: 2024-03-05. Review status: criteria provided, single submitter. Criteria: Ambry Variant Classification Scheme 2023. Collection method: clinical testing. Allele origin: germline.
Comment: The p.Q599H variant (also known as c.1797A>C), located in coding exon 4 of the TMPO gene, results from an A to C substitution at nucleotide position 1797. The glutamine at codon 599 is replaced by histidine, an amino acid with highly similar properties. This amino acid position is conserved. In addition, this alteration is predicted to be tolerated by in silico analysis. Based on the available evidence, the clinical significance of this alteration remains unclear.